The following is an entry in ClinVar:

ClinVar aggregate classification (germline): Likely benign (1 of 4 stars; one submission).

Allele frequency attached by ClinVar (database versions not stated): gnomAD exomes below 0.00001; ExAC 0.00001.
gnomAD v4.1: 1 of 1,614,166 alleles (0.000062%); highest among the groups gnomAD compares: Non-Finnish European, 0.000085%; no homozygotes.

Submission:

CeGaT Center for Human Genetics Tuebingen
Classification: Likely benign. Last evaluated: 2024-01-01. Review status: criteria provided, single submitter. Criteria: CeGaT Center For Human Genetics Tuebingen Variant Classification Criteria Version 2. Collection method: clinical testing. Allele origin: germline. Affected: yes. Observed: 1 variant allele.
Comment: SETBP1: BP4

NM_015559.3(SETBP1):c.2885C>T (p.Thr962Ile)

Gene: SETBP1 (SET binding protein 1; plus strand). Cytogenetic location: 18q12.3.
Variant type: single nucleotide variant.
Coding change: c.2885C>T on transcript NM_015559.3 (MANE Select); coding-DNA position 2885, C replaced by T.
Protein change: p.Thr962Ile; replaces threonine 962 with isoleucine.
Molecular consequence: missense variant.
Genome position (GRCh38, 1-based): chr18:44,952,225, C>T. VCF-style: chr18-44952225-C-T. GRCh37 (hg19) VCF-style: chr18-42532190-C-T.
Other names: c.2885C>T, p.Thr962Ile (NM_001379141.1, NM_001379142.1, NM_001410862.1); short protein forms T962I.
Identifiers: ClinVar variation 3026771 (VCV003026771.22), dbSNP rs747252087, ClinGen allele CA8945819.